The following is an entry in ClinVar:

NM_181552.4(CUX1):c.3931G>A (p.Gly1311Arg)

Gene: CUX1 (cut like homeobox 1; plus strand). Cytogenetic location: 7q22.1.
Variant type: single nucleotide variant.
Coding change: c.3931G>A on transcript NM_181552.4 (MANE Select); coding-DNA position 3931, G replaced by A.
Protein change: p.Gly1311Arg; replaces glycine 1311 with arginine.
Molecular consequence: missense variant. On other transcripts: intron variant (5).
Genome position (GRCh38, 1-based): chr7:102,248,455, G>A. VCF-style: chr7-102248455-G-A. GRCh37 (hg19) VCF-style: chr7-101891735-G-A.
Other names: c.3964G>A, p.Gly1322Arg (NM_001202543.2); c.1256-24911G>A (NM_001913.5); c.1250-24911G>A (NM_181500.4); c.1118-24911G>A (NM_001202545.3); c.1208-24911G>A (NM_001202544.3); c.1139-24911G>A (NM_001202546.3); short protein forms G1311R, G1322R.
Identifiers: ClinVar variation 4527144 (VCV004527144.1).

ClinVar aggregate classification (germline): Uncertain significance (1 of 4 stars; one submission).

Submission:

GeneDx
Classification: Uncertain significance. Last evaluated: 2025-04-21. Review status: criteria provided, single submitter. Criteria: GeneDx Variant Classification Process June 2021. Collection method: clinical testing. Allele origin: germline. Affected: yes.
Comment: Not observed at significant frequency in large population cohorts (gnomAD); In silico analysis supports that this missense variant has a deleterious effect on protein structure/function; Has not been previously published as pathogenic or benign to our knowledge